The following is an entry in ClinVar:

ClinVar aggregate classification (germline): Benign/Likely benign. Review status: criteria provided, multiple submitters, no conflicts (2 of 4 stars). 6 submissions from 6 submitters: Benign (1); Likely benign (4). 1 of the submissions does not count toward it. Last evaluated 2026-09-01.

Conditions:
Inborn genetic diseases. Identifiers: MedGen C0950123, MeSH D030342.
HERC2-related disorder. Also called: HERC2-related condition.

Allele frequency attached by ClinVar (database versions not stated): 1000 Genomes Project 0.00100; 1000 Genomes Project 30x 0.00109; TOPMed 0.00199; ESP Exome Variant Server 0.00246; ExAC 0.00247; gnomAD 0.00258 and 0.00265; gnomAD exomes 0.00282 and 0.00348.

Submissions (6):

CeGaT Center for Human Genetics Tuebingen
Classification: Likely benign. Last evaluated: 2026-09-01. Review status: criteria provided, single submitter. Criteria: CeGaT Center For Human Genetics Tuebingen Variant Classification Criteria Version 2. Collection method: clinical testing. Allele origin: germline. Affected: yes. Observed: 26 variant alleles.
Comment: HERC2: BP4, BS2

Blueprint Genetics
Classification: Likely benign. Last evaluated: 2024-11-06. Review status: criteria provided, single submitter. Criteria: ACMG Guidelines, 2015. Collection method: clinical testing. Allele origin: germline.

Ambry Genetics
Classification: Benign for Inborn genetic diseases. Last evaluated: 2022-03-25. Review status: criteria provided, single submitter. Criteria: Ambry Variant Classification Scheme 2023. Collection method: clinical testing. Allele origin: germline.

Labcorp Genetics (formerly Invitae), Labcorp
Classification: Likely benign. Last evaluated: 2019-12-31. Review status: criteria provided, single submitter. Criteria: Invitae Variant Classification Sherloc (09022015). Collection method: clinical testing. Allele origin: germline.

Center for Pediatric Genomic Medicine, Children's Mercy Hospital and Clinics
Classification: Likely benign. Last evaluated: 2017-09-19. Review status: criteria provided, single submitter. Criteria: ACMG Guidelines, 2015. Collection method: clinical testing. Allele origin: germline.

PreventionGenetics, part of Exact Sciences
Classification: Benign for HERC2-related condition. Last evaluated: 2024-08-30. Review status: no assertion criteria provided. Collection method: clinical testing. Allele origin: germline. Not counted in ClinVar's aggregate classification.
Comment: This variant is classified as benign based on ACMG/AMP sequence variant interpretation guidelines (Richards et al. 2015 PMID: 25741868, with internal and published modifications).

NM_004667.6(HERC2):c.10969G>A (p.Val3657Ile)

Gene: HERC2 (HECT and RLD domain containing E3 ubiquitin protein ligase 2; minus strand). Cytogenetic location: 15q13.1.
Variant type: single nucleotide variant.
Coding change: c.10969G>A on transcript NM_004667.6 (MANE Select); coding-DNA position 10969, G replaced by A.
Protein change: p.Val3657Ile; replaces valine 3657 with isoleucine.
Molecular consequence: missense variant.
Genome position (GRCh38, 1-based): chr15:28,146,276, C>T on the plus strand (G>A on the coding strand, the complement: HERC2 is on the minus strand). VCF-style: chr15-28146276-C-T. GRCh37 (hg19) VCF-style: chr15-28391422-C-T.
Other names: short protein forms V3657I.
Identifiers: ClinVar variation 445508 (VCV000445508.36), dbSNP rs139953376, ClinGen allele CA7440708.